The following is an entry in ClinVar:

NM_004360.5(CDH1):c.2051G>A (p.Ser684Asn)

Gene: CDH1 (cadherin 1; plus strand). Cytogenetic location: 16q22.1.
Variant type: single nucleotide variant.
Coding change: c.2051G>A on transcript NM_004360.5 (MANE Select); coding-DNA position 2051, G replaced by A.
Protein change: p.Ser684Asn; replaces serine 684 with asparagine.
Molecular consequence: missense variant.
Genome position (GRCh38, 1-based): chr16:68,823,513, G>A. VCF-style: chr16-68823513-G-A. GRCh37 (hg19) VCF-style: chr16-68857416-G-A.
Other names: c.1868G>A, p.Ser623Asn (NM_001317184.2); c.503G>A, p.Ser168Asn (NM_001317185.2); c.86G>A, p.Ser29Asn (NM_001317186.2); short protein forms S623N, S29N, S168N, S684N.
Identifiers: ClinVar variation 2003191 (VCV002003191.5), dbSNP rs2152139445, ClinGen allele CA396467749.

ClinVar aggregate classification (germline): Uncertain significance. Review status: criteria provided, multiple submitters, no conflicts (2 of 4 stars). 2 submissions from 2 submitters: Uncertain significance (2). Last evaluated 2026-08-25.

Conditions:
Hereditary diffuse gastric adenocarcinoma (HDGC). Also called: DIFFUSE GASTRIC AND LOBULAR BREAST CANCER SYNDROME. Identifiers: Orphanet 26106, MedGen C1708349, MONDO:0007648, OMIM 137215.
Hereditary cancer-predisposing syndrome. Also called: Hereditary neoplastic syndrome; Neoplastic Syndromes, Hereditary; Tumor predisposition; Hereditary Cancer Syndrome. Identifiers: Orphanet 140162, MedGen C0027672, MeSH D009386, MONDO:0015356.

Submissions (2):

Ambry Genetics
Classification: Uncertain significance for Hereditary cancer-predisposing syndrome. Last evaluated: 2026-08-25. Review status: criteria provided, single submitter. Criteria: Ambry Variant Classification Scheme 2023. Collection method: clinical testing. Allele origin: germline.
Comment: The p.S684N variant (also known as c.2051G>A), located in coding exon 13 of the CDH1 gene, results from a G to A substitution at nucleotide position 2051. The serine at codon 684 is replaced by asparagine, an amino acid with highly similar properties. This amino acid position is conserved. In addition, this alteration is predicted to be tolerated by in silico analysis. Based on the available evidence, the clinical significance of this variant remains unclear.

Labcorp Genetics (formerly Invitae), Labcorp
Classification: Uncertain significance for Hereditary diffuse gastric adenocarcinoma. Last evaluated: 2022-08-23. Review status: criteria provided, single submitter. Criteria: Invitae Variant Classification Sherloc (09022015). Collection method: clinical testing. Allele origin: germline.
Comment: This sequence change replaces serine, which is neutral and polar, with asparagine, which is neutral and polar, at codon 684 of the CDH1 protein (p.Ser684Asn). This variant is not present in population databases (gnomAD no frequency). This variant has not been reported in the literature in individuals affected with CDH1-related conditions. In summary, the available evidence is currently insufficient to determine the role of this variant in disease. Therefore, it has been classified as a Variant of Uncertain Significance. Algorithms developed to predict the effect of missense changes on protein structure and function (SIFT, PolyPhen-2, Align-GVGD) all suggest that this variant is likely to be tolerated.